The following is an entry in ClinVar:

ClinVar aggregate classification (germline): Likely benign (1 of 4 stars; one submission).

Submission:

GeneDx
Classification: Likely benign. Last evaluated: 2017-09-01. Review status: criteria provided, single submitter. Criteria: GeneDx Variant Classification (06012015). Collection method: clinical testing. Allele origin: germline. Affected: yes.
Comment: This variant is considered likely benign or benign based on one or more of the following criteria: it is a conservative change, it occurs at a poorly conserved position in the protein, it is predicted to be benign by multiple in silico algorithms, and/or has population frequency not consistent with disease.

NM_000702.4(ATP1A2):c.1647G>T (p.Val549=)

Gene: ATP1A2 (ATPase Na+/K+ transporting subunit alpha 2; plus strand). Cytogenetic location: 1q23.2.
Variant type: single nucleotide variant.
Coding change: c.1647G>T on transcript NM_000702.4 (MANE Select); coding-DNA position 1647, G replaced by T.
Protein change: p.Val549=; no amino-acid change (valine 549 retained).
Molecular consequence: synonymous variant.
Genome position (GRCh38, 1-based): chr1:160,130,287, G>T. VCF-style: chr1-160130287-G-T. GRCh37 (hg19) VCF-style: chr1-160100077-G-T.
Identifiers: ClinVar variation 511917 (VCV000511917.1), dbSNP rs1553245135, ClinGen allele CA421600365.